The following is an entry in ClinVar:

NM_005989.4(AKR1D1):c.172T>C (p.Tyr58His)

Gene: AKR1D1 (aldo-keto reductase family 1 member D1; plus strand). Cytogenetic location: 7q33.
Variant type: single nucleotide variant.
Coding change: c.172T>C on transcript NM_005989.4 (MANE Select); coding-DNA position 172, T replaced by C.
Protein change: p.Tyr58His; replaces tyrosine 58 with histidine.
Molecular consequence: missense variant.
Genome position (GRCh38, 1-based): chr7:138,088,679, T>C. VCF-style: chr7-138088679-T-C. GRCh37 (hg19) VCF-style: chr7-137773425-T-C.
Other names: c.172T>C, p.Tyr58His (NM_001190906.2, NM_001190907.2); short protein forms Y58H.
Identifiers: ClinVar variation 2635667 (VCV002635667.1), dbSNP rs758380535, ClinGen allele CA4502595.

ClinVar aggregate classification (germline): Uncertain significance (1 of 4 stars; one submission).

Conditions:
AKR1D1-related disorder. Also called: AKR1D1-related condition.

Allele frequency attached by ClinVar (database versions not stated): ExAC 0.00001; gnomAD 0.00001; TOPMed 0.00001.
gnomAD v4.1: 2 of 1,613,922 alleles (0.00012%); highest among the groups gnomAD compares: Non-Finnish European, 0.00017%; no homozygotes.

Submission:

PreventionGenetics, part of Exact Sciences
Classification: Uncertain significance for AKR1D1-related condition. Last evaluated: 2022-12-28. Review status: criteria provided, single submitter. Criteria: ACMG Guidelines, 2015. Collection method: clinical testing. Allele origin: germline.
Comment: The AKR1D1 c.172T>C variant is predicted to result in the amino acid substitution p.Tyr58His. To our knowledge, this variant has not been reported in the literature. This variant is reported in 0.00088% of alleles in individuals of European (Non-Finnish) descent in gnomAD. At this time, the clinical significance of this variant is uncertain due to the absence of conclusive functional and genetic evidence.